The following is an entry in ClinVar:

NM_007286.6(SYNPO):c.1573G>A (p.Ala525Thr)

Gene: SYNPO (synaptopodin; plus strand). Cytogenetic location: 5q33.1.
Variant type: single nucleotide variant.
Coding change: c.1573G>A on transcript NM_007286.6 (MANE Select); coding-DNA position 1573, G replaced by A.
Protein change: p.Ala525Thr; replaces alanine 525 with threonine.
Molecular consequence: missense variant.
Genome position (GRCh38, 1-based): chr5:150,649,848, G>A. VCF-style: chr5-150649848-G-A. GRCh37 (hg19) VCF-style: chr5-150029410-G-A.
Other names: c.2305G>A (NM_001166208.1); c.1573G>A, p.Ala525Thr (NM_001109974.3); c.2305G>A, p.Ala769Thr (NM_001166208.2, NM_001166209.2); short protein forms A525T, A769T.
Identifiers: ClinVar variation 2060177 (VCV002060177.5), dbSNP rs374090784, ClinGen allele CA3513435.
Genomic context (GRCh38, chr5:150,649,848, plus strand): 5'-CTGGCCCGCTGCCCATCACCTACCATGTCCCTGCCTTCCTCCTGGAAATACCCCACTAAC[G>A]CCCCCGGGGCCTTCCGAGTGGCATCCCGAAGCCCAGCCCGGACCCCGCCTGCCTCCCTCT-3'
Protein context (NP_009217.3, residues 515-535): LPSSWKYPTN[Ala525Thr]PGAFRVASRS

ClinVar aggregate classification (germline): Uncertain significance. Review status: criteria provided, multiple submitters, no conflicts (2 of 4 stars). 2 submissions from 2 submitters: Uncertain significance (2). Last evaluated 2025-01-23.

Allele frequency attached by ClinVar (database versions not stated): gnomAD 0.00002; TOPMed 0.00002; gnomAD exomes 0.00001; ExAC 0.00002.
gnomAD v4.1: 27 of 1,608,388 alleles (0.0017%); highest among the groups gnomAD compares: East Asian, 0.0089%; no homozygotes.

Submissions (2):

Labcorp Genetics (formerly Invitae), Labcorp
Classification: Uncertain significance. Last evaluated: 2025-01-23. Review status: criteria provided, single submitter. Criteria: Invitae Variant Classification Sherloc (09022015). Collection method: clinical testing. Allele origin: germline.
Comment: This sequence change replaces alanine, which is neutral and non-polar, with threonine, which is neutral and polar, at codon 525 of the SYNPO protein (p.Ala525Thr). This variant is present in population databases (rs374090784, gnomAD 0.02%). This variant has not been reported in the literature in individuals affected with SYNPO-related conditions. ClinVar contains an entry for this variant (Variation ID: 2060177). An algorithm developed to predict the effect of missense changes on protein structure and function (PolyPhen-2) suggests that this variant is likely to be tolerated. In summary, the available evidence is currently insufficient to determine the role of this variant in disease. Therefore, it has been classified as a Variant of Uncertain Significance.

Ambry Genetics
Classification: Uncertain significance. Last evaluated: 2024-03-30. Review status: criteria provided, single submitter. Criteria: Ambry Variant Classification Scheme 2023. Collection method: clinical testing. Allele origin: germline.